The following is an entry in ClinVar:

NM_001372.4(DNAH9):c.7834G>A (p.Val2612Met)

Gene: DNAH9 (dynein axonemal heavy chain 9; plus strand). Cytogenetic location: 17p12.
Variant type: single nucleotide variant.
Coding change: c.7834G>A on transcript NM_001372.4 (MANE Select); coding-DNA position 7834, G replaced by A.
Protein change: p.Val2612Met; replaces valine 2612 with methionine.
Molecular consequence: missense variant.
Genome position (GRCh38, 1-based): chr17:11,784,312, G>A. VCF-style: chr17-11784312-G-A. GRCh37 (hg19) VCF-style: chr17-11687629-G-A.
Other names: c.7834G>A (NM_001372.3); short protein forms V2612M.
Identifiers: ClinVar variation 1357134 (VCV001357134.9), dbSNP rs143223880, ClinGen allele CA8396749.

ClinVar aggregate classification (germline): Conflicting classifications of pathogenicity. Review status: criteria provided, conflicting classifications (1 of 4 stars). 4 submissions from 4 submitters: Uncertain significance (3); Likely benign (1). Last evaluated 2026-03-10.

Conditions:
DNAH9-related disorder. Also called: DNAH9-related condition.

Allele frequency attached by ClinVar (database versions not stated): gnomAD 0.00058 and 0.00060; 1000 Genomes Project 0.00060; 1000 Genomes Project 30x 0.00062; ExAC 0.00063; gnomAD exomes 0.00064 and 0.00083; ESP Exome Variant Server 0.00069; TOPMed 0.00086.
gnomAD v4.1: 1,297 of 1,614,132 alleles (0.08%); highest among the groups gnomAD compares: Middle Eastern, 0.35%; 3 homozygotes.

Submissions (4):

PreventionGenetics, part of Exact Sciences
Classification: Uncertain significance for DNAH9-related condition. Last evaluated: 2026-03-10. Review status: criteria provided, single submitter. Criteria: ACMG Guidelines, 2015. Collection method: clinical testing. Allele origin: germline.
Comment: The DNAH9 c.7834G>A variant is predicted to result in the amino acid substitution p.Val2612Met. To our knowledge, this variant has not been reported in the literature. This variant is reported in 0.10% of alleles in individuals of Latino descent in gnomAD, including one individual homozygous for this variant. Although we suspect that this variant may be benign, at this time, the clinical significance of this variant is uncertain due to the absence of conclusive functional and genetic evidence.

Labcorp Genetics (formerly Invitae), Labcorp
Classification: Uncertain significance. Last evaluated: 2026-01-05. Review status: criteria provided, single submitter. Criteria: Invitae Variant Classification Sherloc (09022015). Collection method: clinical testing. Allele origin: germline.
Comment: This sequence change replaces valine, which is neutral and non-polar, with methionine, which is neutral and non-polar, at codon 2612 of the DNAH9 protein (p.Val2612Met). This variant is present in population databases (rs143223880, gnomAD 0.1%), and has an allele count higher than expected for a pathogenic variant. This variant has not been reported in the literature in individuals affected with DNAH9-related conditions. ClinVar contains an entry for this variant (Variation ID: 1357134). Invitae Evidence Modeling of protein sequence and biophysical properties (such as structural, functional, and spatial information, amino acid conservation, physicochemical variation, residue mobility, and thermodynamic stability) indicates that this missense variant is not expected to disrupt DNAH9 protein function with a negative predictive value of 80%. In summary, the available evidence is currently insufficient to determine the role of this variant in disease. Therefore, it has been classified as a Variant of Uncertain Significance.

Blueprint Genetics
Classification: Likely benign. Last evaluated: 2024-11-12. Review status: criteria provided, single submitter. Criteria: ACMG Guidelines, 2015. Collection method: clinical testing. Allele origin: germline.

Breakthrough Genomics
Classification: Uncertain significance. Review status: criteria provided, single submitter. Criteria: ACMG Guidelines, 2015. Collection method: not provided. Allele origin: germline. Inheritance: Autosomal recessive inheritance. Affected: yes.